The following is an entry in ClinVar:

NM_001792.5(CDH2):c.1808C>G (p.Pro603Arg)

Gene: CDH2 (cadherin 2; minus strand). Cytogenetic location: 18q12.1.
Variant type: single nucleotide variant.
Coding change: c.1808C>G on transcript NM_001792.5 (MANE Select); coding-DNA position 1808, C replaced by G.
Protein change: p.Pro603Arg; replaces proline 603 with arginine.
Molecular consequence: missense variant.
Genome position (GRCh38, 1-based): chr18:27,985,695, G>C on the plus strand (C>G on the coding strand, the complement: CDH2 is on the minus strand). VCF-style: chr18-27985695-G-C. GRCh37 (hg19) VCF-style: chr18-25565659-G-C.
Other names: c.1715C>G, p.Pro572Arg (NM_001308176.2); short protein forms P572R, P603R.
Identifiers: ClinVar variation 1683580 (VCV001683580.2), dbSNP rs2143954288, ClinGen allele CA402107525.

ClinVar aggregate classification (germline): Uncertain significance (1 of 4 stars; one submission).

Conditions:
Agenesis of corpus callosum, cardiac, ocular, and genital syndrome. Identifiers: MedGen C5394523, MONDO:0030065, OMIM 618929.

Submission:

Laboratorio de Genetica e Diagnostico Molecular, Hospital Israelita Albert Einstein
Classification: Uncertain significance for Agenesis of corpus callosum, cardiac, ocular, and genital syndrome. Last evaluated: 2022-02-21. Review status: criteria provided, single submitter. Criteria: ACMG Guidelines, 2015. Collection method: clinical testing. Allele origin: germline. Affected: yes.
Comment: ACMG classification criteria: PM2 moderate, PP3 supporting